The following is an entry in ClinVar:

NM_002890.3(RASA1):c.2764C>T (p.Pro922Ser)

Genes: CCNH (cyclin H; minus strand), RASA1 (RAS p21 protein activator 1; plus strand). Cytogenetic location: 5q14.3.
Variant type: single nucleotide variant.
Coding change: c.2764C>T on transcript NM_002890.3 (MANE Select); coding-DNA position 2764, C replaced by T.
Protein change: p.Pro922Ser; replaces proline 922 with serine.
Molecular consequence: missense variant. On other transcripts: intron variant (1).
Genome position (GRCh38, 1-based): chr5:87,385,306, C>T. VCF-style: chr5-87385306-C-T. GRCh37 (hg19) VCF-style: chr5-86681123-C-T.
Other names: c.2233C>T, p.Pro745Ser (NM_022650.3); c.933+9738G>A (NM_001364075.2); short protein forms P922S, P745S.
Identifiers: ClinVar variation 1795724 (VCV001795724.2), dbSNP rs925782039, ClinGen allele CA121817998.
Genomic context (GRCh38, chr5:87,385,306, plus strand): 5'-TAGCTGGAAGTGCTGTTGGACTTGGTGTCATTAGCTGTGCCCAATTCTGTTACAGATTCT[C>T]CATCTCCTATTGCTGCAAGAACACTGATATTAGTGGCTAAATCTGTGCAGAACTTAGCAA-3'
Protein context (NP_002881.1, residues 912-932): PRMFNIISDS[Pro922Ser]SPIAARTLIL

ClinVar aggregate classification (germline): Uncertain significance (1 of 4 stars; one submission).

Conditions:
Cardiovascular phenotype. Identifiers: MedGen CN230736.

Allele frequency attached by ClinVar (database versions not stated): gnomAD 0.00001; TOPMed below 0.00001.

Submission:

Ambry Genetics
Classification: Uncertain significance for Cardiovascular phenotype. Last evaluated: 2022-03-07. Review status: criteria provided, single submitter. Criteria: Ambry Variant Classification Scheme 2023. Collection method: clinical testing. Allele origin: germline.
Comment: The p.P922S variant (also known as c.2764C>T), located in coding exon 22 of the RASA1 gene, results from a C to T substitution at nucleotide position 2764. The proline at codon 922 is replaced by serine, an amino acid with similar properties. This amino acid position is conserved. In addition, the in silico prediction for this alteration is inconclusive. Since supporting evidence is limited at this time, the clinical significance of this alteration remains unclear.